The following is an entry in ClinVar:

ClinVar aggregate classification (germline): Conflicting classifications of pathogenicity. Review status: criteria provided, conflicting classifications (1 of 4 stars). 3 submissions from 2 submitters: Uncertain significance (2); Likely benign (1). Last evaluated 2018-01-13.

Conditions:
Maturity-onset diabetes of the young type 1. Also called: MODY type 1; Diabetes mellitus MODY type 1; MODY HNF4A related; MILD JUVENILE DIABETES MELLITUS; HNF4A-Related Maturity-Onset Diabetes of the Young Type 1; MODY, type I. Identifiers: Orphanet 552, MedGen C1852093, MONDO:0007452, OMIM 125850. Disease mechanism: loss of function.
Maturity-onset diabetes of the young (MODY). Also called: Maturity onset diabetes mellitus in young. Identifiers: Orphanet 552, MedGen C0342276, MONDO:0018911, HP:0004904.
Familial hyperinsulinism. Also called: Congenital hyperinsulinism. Identifiers: Orphanet 276525, MedGen C3888018, MONDO:0017182. Disease mechanism: loss of function.

Submissions (3):

Illumina Laboratory Services, Illumina
Classification: Uncertain significance for Maturity-onset diabetes of the young type 1. Last evaluated: 2018-01-13. Review status: criteria provided, single submitter. Criteria: ICSL Variant Classification Criteria 13 December 2019. Collection method: clinical testing. Allele origin: germline.

Illumina Laboratory Services, Illumina
Classification: Uncertain significance for Familial hyperinsulinism. Last evaluated: 2018-01-13. Review status: criteria provided, single submitter. Criteria: ICSL Variant Classification Criteria 13 December 2019. Collection method: clinical testing. Allele origin: germline.

Clinical Genomics, Uppaluri K&H Personalized Medicine Clinic
Classification: Likely benign for Maturity-onset diabetes of the young. Review status: criteria provided, single submitter. Criteria: K & H Uppaluri Personalized Medicine Clinic Variant Classification & Assertion Criteria_Updated V.1. Collection method: research. Allele origin: unknown. Inheritance: Autosomal dominant inheritance.
Comment: Potent mutations in HNF4A are associated with poor insulin secretion in response to hyperglycemia. Associated with MODY1. Patients initially respond well to sulfonylureas but eventually become insulin dependent. However, more evidence is required to ascertain the role of this particular variant rs1019496764 in MODY, yet.

Literature cited by the submitters: PubMed 18268044 (cited by Clinical Genomics, Uppaluri K&H Personalized Medicine Clinic); PubMed 17563455 (cited by Clinical Genomics, Uppaluri K&H Personalized Medicine Clinic); PubMed 32583173 (cited by Clinical Genomics, Uppaluri K&H Personalized Medicine Clinic); PubMed 35052457 (cited by Clinical Genomics, Uppaluri K&H Personalized Medicine Clinic); PubMed 35118593 (cited by Clinical Genomics, Uppaluri K&H Personalized Medicine Clinic); DOI 10.1159/000334532 (cited by Clinical Genomics, Uppaluri K&H Personalized Medicine Clinic).

NM_175914.5(HNF4A):c.*35C>A

Gene: HNF4A (hepatocyte nuclear factor 4 alpha; plus strand). Cytogenetic location: 20q13.12.
Variant type: single nucleotide variant.
Coding change: c.*35C>A on transcript NM_175914.5 (MANE Select); 35 bases downstream of the stop codon, C replaced by A.
Molecular consequence: 3 prime UTR variant.
Genome position (GRCh38, 1-based): chr20:44,429,700, C>A. VCF-style: chr20-44429700-C-A. GRCh37 (hg19) VCF-style: chr20-43058340-C-A.
Other names: c.*35C>A (NM_000457.6, NM_001030003.3, NM_001258355.2 and 3 more transcripts).
Identifiers: ClinVar variation 899353 (VCV000899353.5), dbSNP rs1019496764, ClinGen allele CA315420928.